The following is an entry in ClinVar:

ClinVar aggregate classification (germline): Pathogenic (1 of 4 stars; one submission).

Conditions:
Tuberous sclerosis 2 (TSC2). Identifiers: Orphanet 805, MedGen C1860707, MONDO:0013199, OMIM 613254.

Submission:

Labcorp Genetics (formerly Invitae), Labcorp
Classification: Pathogenic for Tuberous sclerosis 2. Last evaluated: 2016-05-13. Review status: criteria provided, single submitter. Criteria: Invitae Variant Classification Sherloc (09022015). Collection method: clinical testing. Allele origin: germline.
Comment: For these reasons, this variant has been classified as Pathogenic. This sequence change is a gross deletion of the genomic region involving exons 33-39 of the TSC2 gene. This deletion removes 4,721 nucleotides (c.3884-497_5045del) including a portion of intron 32, all of exons 33-38, and a portion of exon 39. While it is uncertain how this deletion affects mRNA splicing, it is expected to result in an absent or disrupted TSC2 protein with an in-frame deletion of ~390 amino acids. While this particular deletion has not been reported in the literature, in-frame deletions within this region have been described. Deletions of exons 34-35 and exons 34-36 (reported as 33-34 and 33-35, respectively, using the legacy exon numbering) have been reported in individuals affected with tuberous sclerosis complex (TSC) in the TSC LOVD database (PMID: 11112665). This gross deletion is expected to disrupt the C-terminal GAP domain of the TSC2 protein, which is important for tumor suppression function (PMID: 8799170, 9045618, 18466115, 15340059).

Literature cited by the submitters: PubMed 11112665; PubMed 8799170; PubMed 9045618; PubMed 18466115; PubMed 15340059.

NC_000016.9:g.(?_2134223)_(2136878_?)del

Gene: TSC2 (TSC complex subunit 2; plus strand). Cytogenetic location: 16p13.3.
Variant type: Deletion.
Identifiers: ClinVar variation 1075379 (VCV001075379.3).